The following is an entry in ClinVar:

ClinVar aggregate classification (germline): Uncertain significance. Review status: criteria provided, multiple submitters, no conflicts (2 of 4 stars). 4 submissions from 4 submitters: Uncertain significance (4). Last evaluated 2025-10-23.

Conditions:
COL6A3-related disorder. Also called: COL6A3-related condition; COL6A3-related disorders.
Inborn genetic diseases. Identifiers: MedGen C0950123, MeSH D030342.
Bethlem myopathy 1A. Also called: Bethlem myopathy 1; Bethlem Muscular Dystrophy; MYOPATHY, BENIGN CONGENITAL, WITH CONTRACTURES. Identifiers: Orphanet 610, MedGen CN029274, MONDO:0024530, OMIM 158810.

Allele frequency attached by ClinVar (database versions not stated): ExAC 0.00001; gnomAD exomes 0.00001.
gnomAD v4.1: 11 of 1,613,920 alleles (0.00068%); highest among the groups gnomAD compares: South Asian, 0.0066%; no homozygotes.

Submissions (4):

PreventionGenetics, part of Exact Sciences
Classification: Uncertain significance for COL6A3-related condition. Last evaluated: 2025-10-23. Review status: criteria provided, single submitter. Criteria: ACMG Guidelines, 2015. Collection method: clinical testing. Allele origin: germline.
Comment: The COL6A3 c.9352G>A variant is predicted to result in the amino acid substitution p.Glu3118Lys. To our knowledge, this variant has not been reported in the literature. This variant is reported in 0.0033% of alleles in individuals of South Asian descent in gnomAD. At this time, the clinical significance of this variant is uncertain due to the absence of conclusive functional and genetic evidence.

Ambry Genetics
Classification: Uncertain significance for Inborn genetic diseases. Last evaluated: 2024-11-20. Review status: criteria provided, single submitter. Criteria: Ambry Variant Classification Scheme 2023. Collection method: clinical testing. Allele origin: germline.

Revvity Omics, Revvity
Classification: Uncertain significance. Last evaluated: 2022-01-27. Review status: criteria provided, single submitter. Criteria: ACMG Guidelines, 2015. Collection method: clinical testing. Allele origin: germline.

Labcorp Genetics (formerly Invitae), Labcorp
Classification: Uncertain significance for Bethlem myopathy 1A. Last evaluated: 2020-12-19. Review status: criteria provided, single submitter. Criteria: Invitae Variant Classification Sherloc (09022015). Collection method: clinical testing. Allele origin: germline.
Comment: Algorithms developed to predict the effect of missense changes on protein structure and function are either unavailable or do not agree on the potential impact of this missense change (SIFT: "Tolerated"; PolyPhen-2: "Not Available"; Align-GVGD: "Class C0"). This variant has not been reported in the literature in individuals with COL6A3-related conditions. This variant is present in population databases (rs755613566, ExAC 0.002%). This sequence change replaces glutamic acid with lysine at codon 3118 of the COL6A3 protein (p.Glu3118Lys). The glutamic acid residue is highly conserved and there is a small physicochemical difference between glutamic acid and lysine. In summary, the available evidence is currently insufficient to determine the role of this variant in disease. Therefore, it has been classified as a Variant of Uncertain Significance.

NM_004369.4(COL6A3):c.9352G>A (p.Glu3118Lys)

Genes: COL6A3 (collagen type VI alpha 3 chain; minus strand), LOC126806573 (CDK7 strongly-dependent group 2 enhancer GRCh37_chr2:238233151-238234350; plus strand). Cytogenetic location: 2q37.3.
Variant type: single nucleotide variant.
Coding change: c.9352G>A on transcript NM_004369.4 (MANE Select); coding-DNA position 9352, G replaced by A.
Protein change: p.Glu3118Lys; replaces glutamic acid 3118 with lysine.
Molecular consequence: missense variant.
Genome position (GRCh38, 1-based): chr2:237,325,701, C>T on the plus strand (G>A on the coding strand, the complement: COL6A3 is on the minus strand). VCF-style: chr2-237325701-C-T. GRCh37 (hg19) VCF-style: chr2-238234344-C-T.
Other names: c.9352G>A (NM_004369.3); c.7531G>A, p.Glu2511Lys (NM_057166.5); c.8734G>A, p.Glu2912Lys (NM_057167.4); short protein forms E2511K, E2912K, E3118K.
Identifiers: ClinVar variation 1024955 (VCV001024955.13), dbSNP rs755613566, ClinGen allele CA2187285.